The following is an entry in ClinVar:

ClinVar aggregate classification (germline): Likely benign (1 of 4 stars; one submission).

Conditions:
CUL4B-related disorder. Also called: CUL4B-related condition.

gnomAD v4.1: 14 of 1,171,186 alleles (0.0012%); highest among the groups gnomAD compares: Non-Finnish European, 0.0016%; no homozygotes.

Submission:

PreventionGenetics, part of Exact Sciences
Classification: Likely benign for CUL4B-related condition. Last evaluated: 2024-11-09. Review status: criteria provided, single submitter. Criteria: ACMG Guidelines, 2015. Collection method: clinical testing. Allele origin: germline.
Comment: This variant is classified as likely benign based on ACMG/AMP sequence variant interpretation guidelines (Richards et al. 2015 PMID: 25741868, with internal and published modifications).

NM_001079872.2(CUL4B):c.1743C>A (p.Gly581=)

Gene: CUL4B (cullin 4B; minus strand). Cytogenetic location: Xq24.
Variant type: single nucleotide variant.
Coding change: c.1743C>A on transcript NM_001079872.2 (MANE Select); coding-DNA position 1743, C replaced by A.
Protein change: p.Gly581=; no amino-acid change (glycine 581 retained).
Molecular consequence: synonymous variant.
Genome position (GRCh38, 1-based): chrX:120,538,769, G>T on the plus strand (C>A on the coding strand, the complement: CUL4B is on the minus strand). VCF-style: chrX-120538769-G-T. GRCh37 (hg19) VCF-style: chrX-119672624-G-T.
Other names: c.1758C>A, p.Gly586= (NM_001330624.2); c.1209C>A, p.Gly403= (NM_001369145.1); c.1797C>A, p.Gly599= (NM_003588.4).
Identifiers: ClinVar variation 4983442 (VCV004983442.1).